The following is an entry in ClinVar:

NM_002519.3(NPAT):c.3988A>G (p.Met1330Val)

Gene: NPAT (nuclear protein, coactivator of histone transcription; minus strand). Cytogenetic location: 11q22.3.
Variant type: single nucleotide variant.
Coding change: c.3988A>G on transcript NM_002519.3 (MANE Select); coding-DNA position 3988, A replaced by G.
Protein change: p.Met1330Val; replaces methionine 1330 with valine.
Molecular consequence: missense variant.
Genome position (GRCh38, 1-based): chr11:108,161,098, T>C on the plus strand (A>G on the coding strand, the complement: NPAT is on the minus strand). VCF-style: chr11-108161098-T-C. GRCh37 (hg19) VCF-style: chr11-108031825-T-C.
Other names: c.4009A>G, p.Met1337Val (NM_001321307.1); short protein forms M1337V, M1330V.
Identifiers: ClinVar variation 1736739 (VCV001736739.2), dbSNP rs2496693769, ClinGen allele CA382509607.

ClinVar aggregate classification (germline): Uncertain significance (1 of 4 stars; one submission).

Allele frequency attached by ClinVar (database versions not stated): gnomAD exomes below 0.00001.

Submission:

Ambry Genetics
Classification: Uncertain significance. Last evaluated: 2022-09-12. Review status: criteria provided, single submitter. Criteria: Ambry Variant Classification Scheme 2023. Collection method: clinical testing. Allele origin: germline.
Comment: The p.M1330V variant (also known as c.3988A>G), located in coding exon 17 of the NPAT gene, results from an A to G substitution at nucleotide position 3988. The methionine at codon 1330 is replaced by valine, an amino acid with highly similar properties. This amino acid position is conserved. In addition, the in silico prediction for this alteration is inconclusive. Since supporting evidence is limited at this time, the clinical significance of this alteration remains unclear.